The following is an entry in ClinVar:

ClinVar aggregate classification (germline): Uncertain significance (1 of 4 stars; one submission).

Submission:

GeneDx
Classification: Uncertain significance. Last evaluated: 2025-04-04. Review status: criteria provided, single submitter. Criteria: GeneDx Variant Classification Process June 2021. Collection method: clinical testing. Allele origin: germline. Affected: yes.
Comment: Not observed at significant frequency in large population cohorts (gnomAD); In silico analysis supports that this missense variant has a deleterious effect on protein structure/function; Has not been previously published as pathogenic or benign to our knowledge

NM_017649.5(CNNM2):c.1753A>G (p.Thr585Ala)

Gene: CNNM2 (cyclin and CBS domain divalent metal cation transport mediator 2; plus strand). Cytogenetic location: 10q24.32.
Variant type: single nucleotide variant.
Coding change: c.1753A>G on transcript NM_017649.5 (MANE Select); coding-DNA position 1753, A replaced by G.
Protein change: p.Thr585Ala; replaces threonine 585 with alanine.
Molecular consequence: missense variant.
Genome position (GRCh38, 1-based): chr10:103,049,838, A>G. VCF-style: chr10-103049838-A-G. GRCh37 (hg19) VCF-style: chr10-104809595-A-G.
Other names: c.1753A>G, p.Thr585Ala (NM_199076.3); short protein forms T585A.
Identifiers: ClinVar variation 4278540 (VCV004278540.1).